The following is an entry in ClinVar:

NM_130837.3(OPA1):c.449-23C>T

Gene: OPA1 (OPA1 mitochondrial dynamin like GTPase; plus strand). Cytogenetic location: 3q29.
Variant type: single nucleotide variant.
Coding change: c.449-23C>T on transcript NM_130837.3 (MANE Select); 23 bases into the intron before coding-DNA position 449, C replaced by T.
Molecular consequence: intron variant.
Genome position (GRCh38, 1-based): chr3:193,617,155, C>T. VCF-style: chr3-193617155-C-T. GRCh37 (hg19) VCF-style: chr3-193334944-C-T.
Other names: c.77-23C>T (NM_001354664.2); c.76+1385C>T (NM_001354663.2); c.449-23C>T (NM_130834.3, NM_130836.3, NM_015560.3 and 1 more transcripts); c.449-629C>T (NM_130835.3, NM_130832.3); c.448+1385C>T (NM_130833.3, NM_130831.3).
Identifiers: ClinVar variation 4965553 (VCV004965553.2).

ClinVar aggregate classification (germline): Likely benign. Review status: criteria provided, multiple submitters, no conflicts (2 of 4 stars). 2 submissions from 2 submitters: Likely benign (2). Last evaluated 2025-01-30.

Conditions:
OPA1-related disorder. Also called: OPA1-related condition; OPA1-related disorders.

gnomAD v4.1: 90 of 1,362,974 alleles (0.0066%); highest among the groups gnomAD compares: Middle Eastern, 0.018%; 2 homozygotes.

Submissions (2):

PreventionGenetics, part of Exact Sciences
Classification: Likely benign for OPA1-related condition. Last evaluated: 2025-01-30. Review status: criteria provided, single submitter. Criteria: ACMG Guidelines, 2015. Collection method: clinical testing. Allele origin: germline.
Comment: This variant is classified as likely benign based on ACMG/AMP sequence variant interpretation guidelines (Richards et al. 2015 PMID: 25741868, with internal and published modifications).

Blueprint Genetics
Classification: Likely benign. Last evaluated: 2024-11-13. Review status: criteria provided, single submitter. Criteria: ACMG Guidelines, 2015. Collection method: clinical testing. Allele origin: germline.